The following is an entry in ClinVar:

NM_000264.5(PTCH1):c.940A>G (p.Thr314Ala)

Gene: PTCH1 (patched 1; minus strand). Cytogenetic location: 9q22.32.
Variant type: single nucleotide variant.
Coding change: c.940A>G on transcript NM_000264.5 (MANE Select); coding-DNA position 940, A replaced by G.
Protein change: p.Thr314Ala; replaces threonine 314 with alanine.
Molecular consequence: missense variant. On other transcripts: non-coding transcript variant (1).
Genome position (GRCh38, 1-based): chr9:95,480,395, T>C on the plus strand (A>G on the coding strand, the complement: PTCH1 is on the minus strand). VCF-style: chr9-95480395-T-C. GRCh37 (hg19) VCF-style: chr9-98242677-T-C.
Other names: c.940A>G (NM_000264.3); c.742A>G, p.Thr248Ala (NM_001083602.3); c.937A>G, p.Thr313Ala (NM_001083603.3); c.487A>G, p.Thr163Ala (NM_001083604.3, NM_001083605.3, NM_001083606.3 and 1 more transcripts); c.940A>G, p.Thr314Ala (NM_001354918.2); short protein forms T314A, T248A, T163A, T313A.
Identifiers: ClinVar variation 1463893 (VCV001463893.10), dbSNP rs2118411651, ClinGen allele CA374113620.

ClinVar aggregate classification (germline): Uncertain significance. Review status: criteria provided, multiple submitters, no conflicts (2 of 4 stars). 3 submissions from 3 submitters: Uncertain significance (3). Last evaluated 2024-09-12.

Conditions:
Gorlin syndrome. Also called: Nevoid Basal Cell Carcinoma Syndrome; Basal cell nevus syndrome. Identifiers: Orphanet 377, MedGen C0004779, MONDO:0007187.
Hereditary cancer-predisposing syndrome. Also called: Neoplastic Syndromes, Hereditary; Hereditary Cancer Syndrome; Tumor predisposition; Hereditary neoplastic syndrome. Identifiers: Orphanet 140162, MedGen C0027672, MeSH D009386, MONDO:0015356.

Submissions (3):

Ambry Genetics
Classification: Uncertain significance for Hereditary cancer-predisposing syndrome. Last evaluated: 2024-09-12. Review status: criteria provided, single submitter. Criteria: Ambry Variant Classification Scheme 2023. Collection method: clinical testing. Allele origin: germline.
Comment: The p.T314A variant (also known as c.940A>G), located in coding exon 6 of the PTCH1 gene, results from an A to G substitution at nucleotide position 940. The threonine at codon 314 is replaced by alanine, an amino acid with similar properties. This amino acid position is conserved. In addition, the in silico prediction for this alteration is inconclusive. Based on the available evidence, the clinical significance of this variant remains unclear.

Labcorp Genetics (formerly Invitae), Labcorp
Classification: Uncertain significance for Gorlin syndrome. Last evaluated: 2023-08-10. Review status: criteria provided, single submitter. Criteria: Invitae Variant Classification Sherloc (09022015). Collection method: clinical testing. Allele origin: germline.
Comment: In summary, the available evidence is currently insufficient to determine the role of this variant in disease. Therefore, it has been classified as a Variant of Uncertain Significance. Advanced modeling of protein sequence and biophysical properties (such as structural, functional, and spatial information, amino acid conservation, physicochemical variation, residue mobility, and thermodynamic stability) performed at Invitae indicates that this missense variant is not expected to disrupt PTCH1 protein function. ClinVar contains an entry for this variant (Variation ID: 1463893). This variant has not been reported in the literature in individuals affected with PTCH1-related conditions. This variant is not present in population databases (gnomAD no frequency). This sequence change replaces threonine, which is neutral and polar, with alanine, which is neutral and non-polar, at codon 314 of the PTCH1 protein (p.Thr314Ala).

GeneDx
Classification: Uncertain significance. Last evaluated: 2023-02-16. Review status: criteria provided, single submitter. Criteria: GeneDx Variant Classification Process June 2021. Collection method: clinical testing. Allele origin: germline. Affected: yes.
Comment: Not observed at significant frequency in large population cohorts (gnomAD); In silico analysis supports that this missense variant does not alter protein structure/function; Has not been previously published as pathogenic or benign to our knowledge; This variant is associated with the following publications: (PMID: 8906794)